The following is an entry in ClinVar:

NM_032193.4(RNASEH2C):c.332C>T (p.Pro111Leu)

Gene: RNASEH2C (ribonuclease H2 subunit C; minus strand). Cytogenetic location: 11q13.1.
Variant type: single nucleotide variant.
Coding change: c.332C>T on transcript NM_032193.4 (MANE Select); coding-DNA position 332, C replaced by T.
Protein change: p.Pro111Leu; replaces proline 111 with leucine.
Molecular consequence: missense variant.
Genome position (GRCh38, 1-based): chr11:65,720,258, G>A on the plus strand (C>T on the coding strand, the complement: RNASEH2C is on the minus strand). VCF-style: chr11-65720258-G-A. GRCh37 (hg19) VCF-style: chr11-65487729-G-A.
Other names: short protein forms P111L.
Identifiers: ClinVar variation 1375327 (VCV001375327.3), dbSNP rs113396656, ClinGen allele CA223999607.

ClinVar aggregate classification (germline): Uncertain significance (1 of 4 stars; one submission).

Conditions:
Aicardi-Goutieres syndrome 3. Identifiers: Orphanet 51, MedGen C1835916, MONDO:0012471, OMIM 610329.

Allele frequency attached by ClinVar (database versions not stated): gnomAD exomes below 0.00001.

Submission:

Labcorp Genetics (formerly Invitae), Labcorp
Classification: Uncertain significance for Aicardi-Goutieres syndrome 3. Last evaluated: 2022-09-27. Review status: criteria provided, single submitter. Criteria: Invitae Variant Classification Sherloc (09022015). Collection method: clinical testing. Allele origin: germline.
Comment: This sequence change replaces proline, which is neutral and non-polar, with leucine, which is neutral and non-polar, at codon 111 of the RNASEH2C protein (p.Pro111Leu). This variant is present in population databases (rs113396656, gnomAD 0.0009%). This variant has not been reported in the literature in individuals affected with RNASEH2C-related conditions. ClinVar contains an entry for this variant (Variation ID: 1375327). Algorithms developed to predict the effect of missense changes on protein structure and function (SIFT, PolyPhen-2, Align-GVGD) all suggest that this variant is likely to be tolerated. In summary, the available evidence is currently insufficient to determine the role of this variant in disease. Therefore, it has been classified as a Variant of Uncertain Significance.